The following is an entry in ClinVar:

NM_002718.5(PPP2R3A):c.138G>T (p.Val46=)

Gene: PPP2R3A (protein phosphatase 2 regulatory subunit B''alpha; plus strand). Cytogenetic location: 3q22.3.
Variant type: single nucleotide variant.
Coding change: c.138G>T on transcript NM_002718.5 (MANE Select); coding-DNA position 138, G replaced by T.
Protein change: p.Val46=; no amino-acid change (valine 46 retained).
Molecular consequence: synonymous variant. On other transcripts: intron variant (1).
Genome position (GRCh38, 1-based): chr3:136,001,636, G>T. VCF-style: chr3-136001636-G-T. GRCh37 (hg19) VCF-style: chr3-135720478-G-T.
Other names: c.-213-25196G>T (NM_001190447.2).
Identifiers: ClinVar variation 3039884 (VCV003039884.2), dbSNP rs191265461, ClinGen allele CA2630351.

ClinVar aggregate classification (germline): Likely benign (0 of 4 stars; one submission).

Conditions:
PPP2R3A-related disorder. Also called: PPP2R3A-related condition.

Allele frequency attached by ClinVar (database versions not stated): gnomAD exomes 0.00003; ExAC 0.00007; ESP Exome Variant Server 0.00015; gnomAD 0.00029; 1000 Genomes Project 30x 0.00031; TOPMed 0.00031; 1000 Genomes Project 0.00040.
gnomAD v4.1: 104 of 1,614,130 alleles (0.0064%); highest among the groups gnomAD compares: African/African-American, 0.1%; 1 homozygote.

Submission:

PreventionGenetics, part of Exact Sciences
Classification: Likely benign for PPP2R3A-related condition. Last evaluated: 2019-09-18. Review status: no assertion criteria provided. Collection method: clinical testing. Allele origin: germline.
Comment: This variant is classified as likely benign based on ACMG/AMP sequence variant interpretation guidelines (Richards et al. 2015 PMID: 25741868, with internal and published modifications).